The following is an entry in ClinVar:

NM_000142.5(FGFR3):c.1436G>T (p.Gly479Val)

Gene: FGFR3 (fibroblast growth factor receptor 3; plus strand). Cytogenetic location: 4p16.3.
Variant type: single nucleotide variant.
Coding change: c.1436G>T on transcript NM_000142.5 (MANE Select); coding-DNA position 1436, G replaced by T.
Protein change: p.Gly479Val; replaces glycine 479 with valine.
Molecular consequence: missense variant. On other transcripts: non-coding transcript variant (1).
Genome position (GRCh38, 1-based): chr4:1,805,378, G>T. VCF-style: chr4-1805378-G-T. GRCh37 (hg19) VCF-style: chr4-1807105-G-T.
Other names: c.1442G>T, p.Gly481Val (NM_001163213.2); c.1439G>T, p.Gly480Val (NM_001354809.2, NM_001354810.2); c.1100G>T, p.Gly367Val (NM_022965.4); short protein forms G367V, G479V, G480V, G481V.
Identifiers: ClinVar variation 3068380 (VCV003068380.1), dbSNP rs2546827745, ClinGen allele CA355980798.

ClinVar aggregate classification (germline): Uncertain significance (1 of 4 stars; one submission).

Conditions:
Camptodactyly-tall stature-scoliosis-hearing loss syndrome. Also called: CATSHL SYNDROME. Identifiers: Orphanet 85164, MedGen C1864852, MONDO:0012504, OMIM 610474.

Submission:

MVZ Medizinische Genetik Mainz
Classification: Uncertain significance for Camptodactyly-tall stature-scoliosis-hearing loss syndrome. Last evaluated: 2023-11-28. Review status: criteria provided, single submitter. Criteria: UK Practice Guidelines For Variant Classification V4 01 2020. Collection method: clinical testing. Allele origin: germline. Inheritance: Autosomal dominant inheritance. Affected: yes. Observed: 1 variant allele.
Comment: ACMG Criteria: PP3_MOD,PM2_SUP